The following is an entry in ClinVar:

NM_020247.5(COQ8A):c.525C>T (p.Ala175=)

Gene: COQ8A (coenzyme Q8A; plus strand). Cytogenetic location: 1q42.13.
Variant type: single nucleotide variant.
Coding change: c.525C>T on transcript NM_020247.5 (MANE Select); coding-DNA position 525, C replaced by T.
Protein change: p.Ala175=; no amino-acid change (alanine 175 retained).
Molecular consequence: synonymous variant.
Genome position (GRCh38, 1-based): chr1:226,965,347, C>T. VCF-style: chr1-226965347-C-T. GRCh37 (hg19) VCF-style: chr1-227153048-C-T.
Identifiers: ClinVar variation 875574 (VCV000875574.15), dbSNP rs201787750, ClinGen allele CA1425030.

ClinVar aggregate classification (germline): Conflicting classifications of pathogenicity. Review status: criteria provided, conflicting classifications (1 of 4 stars). 5 submissions from 5 submitters: Uncertain significance (1); Likely benign (3). 1 of the submissions does not count toward it. Last evaluated 2026-01-26.

Conditions:
COQ8A-related disorder. Also called: COQ8A-related condition.
Autosomal recessive ataxia due to ubiquinone deficiency. Also called: SPINOCEREBELLAR ATAXIA, AUTOSOMAL RECESSIVE 9; Coenzyme Q10 deficiency, primary, 4. Identifiers: Orphanet 139485, MedGen C2677589, MONDO:0012784, OMIM 612016.

Allele frequency attached by ClinVar (database versions not stated): ExAC 0.00003; gnomAD 0.00011 and 0.00014; TOPMed 0.00013; 1000 Genomes Project 0.00020; 1000 Genomes Project 30x 0.00031.
gnomAD v4.1: 225 of 1,613,260 alleles (0.014%); highest among the groups gnomAD compares: Non-Finnish European, 0.017%; no homozygotes.

Submissions (5):

Labcorp Genetics (formerly Invitae), Labcorp
Classification: Likely benign. Last evaluated: 2026-01-26. Review status: criteria provided, single submitter. Criteria: Invitae Variant Classification Sherloc (09022015). Collection method: clinical testing. Allele origin: germline.

Blueprint Genetics
Classification: Likely benign. Last evaluated: 2024-07-03. Review status: criteria provided, single submitter. Criteria: ACMG Guidelines, 2015. Collection method: clinical testing. Allele origin: germline.

Athena Diagnostics
Classification: Likely benign. Last evaluated: 2021-04-23. Review status: criteria provided, single submitter. Criteria: Athena Diagnostics criteria. Collection method: clinical testing. Allele origin: unknown.

Illumina Laboratory Services, Illumina
Classification: Uncertain significance for Autosomal recessive ataxia due to ubiquinone deficiency. Last evaluated: 2018-03-16. Review status: criteria provided, single submitter. Criteria: ICSL Variant Classification Criteria 13 December 2019. Collection method: clinical testing. Allele origin: germline.

PreventionGenetics, part of Exact Sciences
Classification: Likely benign for COQ8A-related condition. Last evaluated: 2020-03-06. Review status: no assertion criteria provided. Collection method: clinical testing. Allele origin: germline. Not counted in ClinVar's aggregate classification.
Comment: This variant is classified as likely benign based on ACMG/AMP sequence variant interpretation guidelines (Richards et al. 2015 PMID: 25741868, with internal and published modifications).